The following is an entry in ClinVar:

NM_000030.3(AGXT):c.533G>A (p.Cys178Tyr)

Gene: AGXT (alanine--glyoxylate aminotransferase; plus strand). Cytogenetic location: 2q37.3.
Variant type: single nucleotide variant.
Coding change: c.533G>A on transcript NM_000030.3 (MANE Select); coding-DNA position 533, G replaced by A.
Protein change: p.Cys178Tyr; replaces cysteine 178 with tyrosine.
Molecular consequence: missense variant.
Genome position (GRCh38, 1-based): chr2:240,872,987, G>A. VCF-style: chr2-240872987-G-A. GRCh37 (hg19) VCF-style: chr2-241812404-G-A.
Other names: short protein forms C178Y.
Identifiers: ClinVar variation 204110 (VCV000204110.8), dbSNP rs180177235, ClinGen allele CA275707.
Genomic context (GRCh38, chr2:240,872,987, plus strand): 5'-AGTGGCCCCCTGCCTCACCTGCTGCCCTCCATTCTGTCCCCCACCTCTCCAGGTACAAGT[G>A]CCTGCTCCTGGTGGATTCGGTGGCATCCCTGGGCGGGACCCCCCTTTACATGGACCGGCA-3'
Protein context (NP_000021.1, residues 168-188): GFGELCHRYK[Cys178Tyr]LLLVDSVASL

ClinVar aggregate classification (germline): Pathogenic/Likely pathogenic. Review status: criteria provided, multiple submitters, no conflicts (2 of 4 stars). 4 submissions from 4 submitters: Pathogenic (1); Likely pathogenic (2). 1 of the submissions does not count toward it. Last evaluated 2024-05-01.

Conditions:
Primary hyperoxaluria, type I (HP1). Also called: GLYCOLIC ACIDURIA; HEPATIC AGT DEFICIENCY; OXALOSIS I; Primary hyperoxaluria type 1. Identifiers: Orphanet 416, Orphanet 93598, MedGen C0268164, MONDO:0009823, OMIM 259900. Disease mechanism: loss of function.

Allele frequency attached by ClinVar (database versions not stated): gnomAD exomes below 0.00001.
gnomAD v4.1: 2 of 1,613,898 alleles (0.00012%); highest among the groups gnomAD compares: Non-Finnish European, 0.00017%; no homozygotes.

Submissions (4):

Labcorp Genetics (formerly Invitae), Labcorp
Classification: Likely pathogenic. Last evaluated: 2024-05-01. Review status: criteria provided, single submitter. Criteria: Invitae Variant Classification Sherloc (09022015). Collection method: clinical testing. Allele origin: germline.
Comment: This sequence change replaces cysteine, which is neutral and slightly polar, with tyrosine, which is neutral and polar, at codon 178 of the AGXT protein (p.Cys178Tyr). This variant is not present in population databases (gnomAD no frequency). This missense change has been observed in individuals with primary hyperoxaluria type 1 (PMID: 24988064, 25629080, 35812297). ClinVar contains an entry for this variant (Variation ID: 204110). Advanced modeling of protein sequence and biophysical properties (such as structural, functional, and spatial information, amino acid conservation, physicochemical variation, residue mobility, and thermodynamic stability) performed at Invitae indicates that this missense variant is expected to disrupt AGXT protein function with a positive predictive value of 80%. In summary, the currently available evidence indicates that the variant is pathogenic, but additional data are needed to prove that conclusively. Therefore, this variant has been classified as Likely Pathogenic.

Clinical Biochemistry Laboratory, Health Services Laboratory
Classification: Pathogenic for Primary hyperoxaluria, type I. Last evaluated: 2023-10-27. Review status: criteria provided, single submitter. Criteria: ACMG Guidelines, 2015. Collection method: clinical testing. Allele origin: germline. Affected: yes.
Comment: Liver AGT activity<10%. ACMG:PS3 PM2 PM3 PP3 PP5

Baylor Genetics
Classification: Likely pathogenic for Primary hyperoxaluria, type I. Last evaluated: 2023-10-16. Review status: criteria provided, single submitter. Criteria: ACMG Guidelines, 2015. Collection method: clinical testing. Allele origin: unknown.

Counsyl
Classification: Likely pathogenic for Primary hyperoxaluria, type I. Last evaluated: 2017-10-06. Review status: no assertion criteria provided. Collection method: clinical testing. Allele origin: unknown. Not counted in ClinVar's aggregate classification.

Literature cited by the submitters: PubMed 24988064 (cited by 3 submitters); PubMed 25629080 (cited by 3 submitters); PubMed 35812297 (cited by Labcorp Genetics (formerly Invitae), Labcorp).